The following is an entry in ClinVar:

NM_012156.2(EPB41L1):c.1338T>C (p.His446=)

Gene: EPB41L1 (erythrocyte membrane protein band 4.1 like 1; plus strand). Cytogenetic location: 20q11.23.
Variant type: single nucleotide variant.
Coding change: c.1338T>C on transcript NM_012156.2 (MANE Select); coding-DNA position 1338, T replaced by C.
Protein change: p.His446=; no amino-acid change (histidine 446 retained).
Molecular consequence: synonymous variant.
Genome position (GRCh38, 1-based): chr20:36,194,249, T>C. VCF-style: chr20-36194249-T-C. GRCh37 (hg19) VCF-style: chr20-34782171-T-C.
Other names: c.1338T>C, p.His446= (NM_001258329.1); c.1245T>C, p.His415= (NM_001258330.1); c.1152T>C, p.His384= (NM_001258331.2, NM_177996.2).
Identifiers: ClinVar variation 128996 (VCV000128996.9), dbSNP rs2295568, ClinGen allele CA152734.

ClinVar aggregate classification (germline): Benign. Review status: criteria provided, single submitter (1 of 4 stars). 3 submissions from 3 submitters: Benign (1). 2 of the submissions do not count toward it.

Conditions:
EPB41L1-related disorder. Also called: EPB41L1-related condition.

Allele frequency attached by ClinVar (database versions not stated): 1000 Genomes Project 0.12939; gnomAD 0.09605 and 0.09595; TOPMed 0.10853; ExAC 0.05040; 1000 Genomes Project 30x 0.13273; ESP Exome Variant Server 0.09534.
gnomAD v4.1: 43,703 of 1,613,958 alleles (2.7%); highest among the groups gnomAD compares: African/African-American, 28%; 3,807 homozygotes.

Submissions (3):

Breakthrough Genomics
Classification: Benign. Review status: criteria provided, single submitter. Criteria: ACMG Guidelines, 2015. Collection method: not provided. Allele origin: germline. Inheritance: Autosomal dominant inheritance. Affected: yes.

PreventionGenetics, part of Exact Sciences
Classification: Benign for EPB41L1-related condition. Last evaluated: 2019-11-14. Review status: no assertion criteria provided. Collection method: clinical testing. Allele origin: germline. Not counted in ClinVar's aggregate classification.
Comment: This variant is classified as benign based on ACMG/AMP sequence variant interpretation guidelines (Richards et al. 2015 PMID: 25741868, with internal and published modifications).

Genetic Services Laboratory, University of Chicago
Classification: Likely benign for AllHighlyPenetrant. Review status: no assertion criteria provided. Collection method: clinical testing. Allele origin: germline. Inheritance: Autosomal dominant inheritance. Not counted in ClinVar's aggregate classification.
Comment: Likely benign based on allele frequency in 1000 Genomes Project or ESP global frequency and its presence in a patient with a rare or unrelated disease phenotype. NOT Sanger confirmed.